The following is an entry in ClinVar:

NM_138477.4(CDAN1):c.3603C>T (p.Ala1201=)

Gene: CDAN1 (codanin 1; minus strand). Cytogenetic location: 15q15.2.
Variant type: single nucleotide variant.
Coding change: c.3603C>T on transcript NM_138477.4 (MANE Select); coding-DNA position 3603, C replaced by T.
Protein change: p.Ala1201=; no amino-acid change (alanine 1201 retained).
Molecular consequence: synonymous variant.
Genome position (GRCh38, 1-based): chr15:42,724,572, G>A on the plus strand (C>T on the coding strand, the complement: CDAN1 is on the minus strand). VCF-style: chr15-42724572-G-A. GRCh37 (hg19) VCF-style: chr15-43016770-G-A.
Other names: c.3603C>T (NM_138477.2).
Identifiers: ClinVar variation 1919822 (VCV001919822.6), dbSNP rs573902123, ClinGen allele CA7515078.

ClinVar aggregate classification (germline): Likely benign. Review status: criteria provided, multiple submitters, no conflicts (2 of 4 stars). 2 submissions from 2 submitters: Likely benign (2). Last evaluated 2025-02-03.

Conditions:
CDAN1-related disorder. Also called: CDAN1-related condition.

Allele frequency attached by ClinVar (database versions not stated): gnomAD exomes 0.00001; TOPMed 0.00001; gnomAD 0.00002; 1000 Genomes Project 30x 0.00016; 1000 Genomes Project 0.00020.
gnomAD v4.1: 17 of 1,553,364 alleles (0.0011%); highest among the groups gnomAD compares: East Asian, 0.017%; no homozygotes.

Submissions (2):

PreventionGenetics, part of Exact Sciences
Classification: Likely benign for CDAN1-related condition. Last evaluated: 2025-02-03. Review status: criteria provided, single submitter. Criteria: ACMG Guidelines, 2015. Collection method: clinical testing. Allele origin: germline.
Comment: This variant is classified as likely benign based on ACMG/AMP sequence variant interpretation guidelines (Richards et al. 2015 PMID: 25741868, with internal and published modifications).

Labcorp Genetics (formerly Invitae), Labcorp
Classification: Likely benign. Last evaluated: 2024-07-04. Review status: criteria provided, single submitter. Criteria: Invitae Variant Classification Sherloc (09022015). Collection method: clinical testing. Allele origin: germline.